The following is an entry in ClinVar:

NM_000043.6(FAS):c.673T>A (p.Ser225Thr)

Gene: FAS (Fas cell surface death receptor; plus strand). Cytogenetic location: 10q23.31.
Variant type: single nucleotide variant.
Coding change: c.673T>A on transcript NM_000043.6 (MANE Select); coding-DNA position 673, T replaced by A.
Protein change: p.Ser225Thr; replaces serine 225 with threonine.
Molecular consequence: missense variant. On other transcripts: non-coding transcript variant (7), intron variant (1).
Genome position (GRCh38, 1-based): chr10:89,013,364, T>A. VCF-style: chr10-89013364-T-A. GRCh37 (hg19) VCF-style: chr10-90773121-T-A.
Other names: c.590T>A, p.Ile197Asn (NM_001320619.2); c.610T>A, p.Ser204Thr (NM_152871.4); c.652-755T>A (NM_152872.4); short protein forms I197N, S204T, S225T.
Identifiers: ClinVar variation 1430754 (VCV001430754.6), dbSNP rs891207457, ClinGen allele CA211334024.

ClinVar aggregate classification (germline): Uncertain significance (1 of 4 stars; one submission).

Conditions:
Autoimmune lymphoproliferative syndrome type 1. Also called: AUTOIMMUNE LYMPHOPROLIFERATIVE SYNDROME, TYPE I, AUTOSOMAL DOMINANT. Identifiers: Orphanet 3261, MedGen C2717884, MONDO:0011158, OMIM 601859.

Allele frequency attached by ClinVar (database versions not stated): gnomAD 0.00001; TOPMed 0.00001.
gnomAD v4.1: 1 of 1,612,058 alleles (0.000062%); highest among the groups gnomAD compares: Non-Finnish European, 0.000085%; no homozygotes.

Submission:

Labcorp Genetics (formerly Invitae), Labcorp
Classification: Uncertain significance for Autoimmune lymphoproliferative syndrome. Last evaluated: 2025-10-16. Review status: criteria provided, single submitter. Criteria: Invitae Variant Classification Sherloc (09022015). Collection method: clinical testing. Allele origin: germline.
Comment: This sequence change replaces serine, which is neutral and polar, with threonine, which is neutral and polar, at codon 225 of the FAS protein (p.Ser225Thr). This variant is present in population databases (no rsID available, gnomAD 0.007%). This variant has not been reported in the literature in individuals affected with FAS-related conditions. ClinVar contains an entry for this variant (Variation ID: 1430754). An algorithm developed to predict the effect of missense changes on protein structure and function outputs the following: PolyPhen-2: "Benign". The threonine amino acid residue is found in multiple mammalian species, which suggests that this missense change does not adversely affect protein function. In summary, the available evidence is currently insufficient to determine the role of this variant in disease. Therefore, it has been classified as a Variant of Uncertain Significance.